The following is an entry in ClinVar:

ClinVar aggregate classification (germline): Uncertain significance (1 of 4 stars; one submission).

Conditions:
Koolen-de Vries syndrome (KDVS). Identifiers: Orphanet 96169, MedGen C1864871, MONDO:0012496, OMIM 610443.

Allele frequency attached by ClinVar (database versions not stated): TOPMed 0.00001.

Submission:

Labcorp Genetics (formerly Invitae), Labcorp
Classification: Uncertain significance for Koolen-de Vries syndrome. Last evaluated: 2024-02-17. Review status: criteria provided, single submitter. Criteria: Invitae Variant Classification Sherloc (09022015). Collection method: clinical testing. Allele origin: germline.
Comment: This sequence change replaces leucine, which is neutral and non-polar, with valine, which is neutral and non-polar, at codon 534 of the KANSL1 protein (p.Leu534Val). This variant is not present in population databases (gnomAD no frequency). This variant has not been reported in the literature in individuals affected with KANSL1-related conditions. ClinVar contains an entry for this variant (Variation ID: 837848). Advanced modeling of protein sequence and biophysical properties (such as structural, functional, and spatial information, amino acid conservation, physicochemical variation, residue mobility, and thermodynamic stability) performed at Invitae indicates that this missense variant is not expected to disrupt KANSL1 protein function with a negative predictive value of 80%. In summary, the available evidence is currently insufficient to determine the role of this variant in disease. Therefore, it has been classified as a Variant of Uncertain Significance.

NM_015443.4(KANSL1):c.1600C>G (p.Leu534Val)

Gene: KANSL1 (KAT8 regulatory NSL complex subunit 1). Cytogenetic location: 17q21.31.
Variant type: single nucleotide variant.
Coding change: c.1600C>G on transcript NM_015443.4 (MANE Select); coding-DNA position 1600, C replaced by G.
Protein change: p.Leu534Val; replaces leucine 534 with valine.
Molecular consequence: missense variant.
Genome position (GRCh38, 1-based): chr17:46,067,601, G>C on the plus strand (C>G on the coding strand, the complement: KANSL1 is on the minus strand). VCF-style: chr17-46067601-G-C. GRCh37 (hg19) VCF-style: chr17-44144967-G-C.
Other names: c.1600C>G, p.Leu534Val (NM_001193465.2, NM_001193466.2, NM_001379198.1); short protein forms L534V.
Identifiers: ClinVar variation 837848 (VCV000837848.9), dbSNP rs1385195592, ClinGen allele CA399987552.
Genomic context (GRCh38, chr17:46,067,601, plus strand): 5'-AAACTTACGTGTTAATAACTCCATTGACAGGTCTGAGTGCTCCACATGATTTGGTAGACA[G>C]TGACTCTGAAATATGACCAATAATAGGGGCACCATGGTTTTCCAATGGCTGAGAAACAGA-3'
Protein context (NP_056258.1, residues 524-544): APIIGHISES[Leu534Val]STKSCGALRP